The following is an entry in ClinVar:

NM_000219.6(KCNE1):c.103C>T (p.Pro35Ser)

Gene: KCNE1 (potassium voltage-gated channel subfamily E regulatory subunit 1; minus strand). Cytogenetic location: 21q22.12.
Variant type: single nucleotide variant.
Coding change: c.103C>T on transcript NM_000219.6 (MANE Select); coding-DNA position 103, C replaced by T.
Protein change: p.Pro35Ser; replaces proline 35 with serine.
Molecular consequence: missense variant.
Genome position (GRCh38, 1-based): chr21:34,449,532, G>A on the plus strand (C>T on the coding strand, the complement: KCNE1 is on the minus strand). VCF-style: chr21-34449532-G-A. GRCh37 (hg19) VCF-style: chr21-35821830-G-A.
Other names: c.103C>T, p.Pro35Ser (NM_001127668.4, NM_001127669.4, NM_001127670.4 and 4 more transcripts); short protein forms P35S.
Identifiers: ClinVar variation 2889267 (VCV002889267.6), dbSNP rs771113232, ClinGen allele CA320425483.

ClinVar aggregate classification (germline): Uncertain significance. Review status: criteria provided, multiple submitters, no conflicts (2 of 4 stars). 2 submissions from 2 submitters: Uncertain significance (2). Last evaluated 2025-02-19.

Conditions:
Long QT syndrome (LQTS). Identifiers: MedGen C0023976, MeSH D008133, MONDO:0002442. Disease mechanism: loss of function. Inheritance: Various modes of inheritance.

Allele frequency attached by ClinVar (database versions not stated): TOPMed below 0.00001; ExAC 0.00001.

Submissions (3):

GeneDx
Classification: Uncertain significance. Last evaluated: 2025-02-19. Review status: criteria provided, single submitter. Criteria: GeneDx Variant Classification Process June 2021. Collection method: clinical testing. Allele origin: germline. Affected: yes.
Comment: Not observed at significant frequency in large population cohorts (gnomAD); In silico analysis indicates that this missense variant does not alter protein structure/function; Has not been previously published as pathogenic or benign to our knowledge

Labcorp Genetics (formerly Invitae), Labcorp
Classification: Uncertain significance for Long QT syndrome. Last evaluated: 2023-03-01. Review status: criteria provided, single submitter. Criteria: Invitae Variant Classification Sherloc (09022015). Collection method: clinical testing. Allele origin: germline.
Comment: This sequence change replaces proline, which is neutral and non-polar, with serine, which is neutral and polar, at codon 35 of the KCNE1 protein (p.Pro35Ser). This variant is present in population databases (rs771113232, gnomAD no frequency). This variant has not been reported in the literature in individuals affected with KCNE1-related conditions. In summary, the available evidence is currently insufficient to determine the role of this variant in disease. Therefore, it has been classified as a Variant of Uncertain Significance. Advanced modeling of protein sequence and biophysical properties (such as structural, functional, and spatial information, amino acid conservation, physicochemical variation, residue mobility, and thermodynamic stability) performed at Invitae indicates that this missense variant is not expected to disrupt KCNE1 protein function.

Roden Lab, Vanderbilt University Medical Center
No classification provided (evidence only). Condition: Long QT syndrome 5. Review status: no classification provided. Collection method: in vitro. Allele origin: not applicable. Functional consequence: Effect on ion channel function. Not counted in ClinVar's aggregate classification.
ClinVar note: "not provided" was previously submitted as the classification for the variant. However, the classification appeared to be based only on an observation of functional data so it was converted to no classification on 2025-07-30.